The following is an entry in ClinVar:

ClinVar aggregate classification (germline): Uncertain significance (1 of 4 stars; one submission).

gnomAD v4.1: 1 of 1,184,726 alleles (0.000084%); highest among the groups gnomAD compares: Non-Finnish European, 0.00011%; no homozygotes.

Submission:

Dasa
Classification: Uncertain significance. Last evaluated: 2024-12-19. Review status: criteria provided, single submitter. Criteria: DASA Assertion Criteria. Collection method: clinical testing. Allele origin: germline.
Comment: NM_001448.3(GPC4):c.374T>C (p.Val125Ala) is a missense variant that results in the substitution of valine with alanine. This variant is rare in population databases. Computational prediction algorithms are consistent with a benign effect. The currently available literature and clinical evidence are not sufficient to establish a definitive association between this variant and the reported condition. Therefore, this variant is classified as a variant of uncertain significance.

NM_001448.3(GPC4):c.374T>C (p.Val125Ala)

Gene: GPC4 (glypican 4; minus strand). Cytogenetic location: Xq26.2.
Variant type: single nucleotide variant.
Coding change: c.374T>C on transcript NM_001448.3 (MANE Select); coding-DNA position 374, T replaced by C.
Protein change: p.Val125Ala; replaces valine 125 with alanine.
Molecular consequence: missense variant.
Genome position (GRCh38, 1-based): chrX:133,324,482, A>G on the plus strand (T>C on the coding strand, the complement: GPC4 is on the minus strand). VCF-style: chrX-133324482-A-G. GRCh37 (hg19) VCF-style: chrX-132458510-A-G.
Other names: short protein forms V125A.
Identifiers: ClinVar variation 5021028 (VCV005021028.1).